The following is an entry in ClinVar:

NM_152618.3(BBS12):c.725A>G (p.Asn242Ser)

Gene: BBS12 (Bardet-Biedl syndrome 12; plus strand). Cytogenetic location: 4q27.
Variant type: single nucleotide variant.
Coding change: c.725A>G on transcript NM_152618.3 (MANE Select); coding-DNA position 725, A replaced by G.
Protein change: p.Asn242Ser; replaces asparagine 242 with serine.
Molecular consequence: missense variant.
Genome position (GRCh38, 1-based): chr4:122,742,617, A>G. VCF-style: chr4-122742617-A-G. GRCh37 (hg19) VCF-style: chr4-123663772-A-G.
Other names: c.725A>G, p.Asn242Ser (NM_001178007.2); short protein forms N242S.
Identifiers: ClinVar variation 1379791 (VCV001379791.8), dbSNP rs2150736463, ClinGen allele CA358223558.

ClinVar aggregate classification (germline): Uncertain significance (1 of 4 stars; one submission).

Conditions:
Bardet-Biedl syndrome (BBS). Identifiers: Orphanet 110, MedGen C0752166, MONDO:0015229.

Submission:

Labcorp Genetics (formerly Invitae), Labcorp
Classification: Uncertain significance for Bardet-Biedl syndrome. Last evaluated: 2022-07-12. Review status: criteria provided, single submitter. Criteria: Invitae Variant Classification Sherloc (09022015). Collection method: clinical testing. Allele origin: germline.
Comment: This variant is not present in population databases (gnomAD no frequency). This sequence change replaces asparagine, which is neutral and polar, with serine, which is neutral and polar, at codon 242 of the BBS12 protein (p.Asn242Ser). This variant has not been reported in the literature in individuals affected with BBS12-related conditions. ClinVar contains an entry for this variant (Variation ID: 1379791). Algorithms developed to predict the effect of missense changes on protein structure and function output the following: SIFT: "Tolerated"; PolyPhen-2: "Benign"; Align-GVGD: "Class C0". The serine amino acid residue is found in multiple mammalian species, which suggests that this missense change does not adversely affect protein function. In summary, the available evidence is currently insufficient to determine the role of this variant in disease. Therefore, it has been classified as a Variant of Uncertain Significance.